The following is an entry in ClinVar:

ClinVar aggregate classification (germline): Uncertain significance (1 of 4 stars; one submission).

Allele frequency attached by ClinVar (database versions not stated): TOPMed 0.00002.

Submission:

Labcorp Genetics (formerly Invitae), Labcorp
Classification: Uncertain significance. Last evaluated: 2023-02-16. Review status: criteria provided, single submitter. Criteria: Invitae Variant Classification Sherloc (09022015). Collection method: clinical testing. Allele origin: germline.
Comment: This sequence change replaces glutamic acid, which is acidic and polar, with aspartic acid, which is acidic and polar, at codon 4 of the EMC1 protein (p.Glu4Asp). This variant is not present in population databases (gnomAD no frequency). This variant has not been reported in the literature in individuals affected with EMC1-related conditions. An algorithm developed to predict the effect of missense changes on protein structure and function (PolyPhen-2) suggests that this variant is likely to be tolerated. In summary, the available evidence is currently insufficient to determine the role of this variant in disease. Therefore, it has been classified as a Variant of Uncertain Significance.

NM_015047.3(EMC1):c.12G>T (p.Glu4Asp)

Gene: EMC1 (ER membrane protein complex subunit 1; minus strand). Cytogenetic location: 1p36.13.
Variant type: single nucleotide variant.
Coding change: c.12G>T on transcript NM_015047.3 (MANE Select); coding-DNA position 12, G replaced by T.
Protein change: p.Glu4Asp; replaces glutamic acid 4 with aspartic acid.
Molecular consequence: missense variant.
Genome position (GRCh38, 1-based): chr1:19,251,498, C>A on the plus strand (G>T on the coding strand, the complement: EMC1 is on the minus strand). VCF-style: chr1-19251498-C-A. GRCh37 (hg19) VCF-style: chr1-19577992-C-A.
Other names: c.12G>T, p.Glu4Asp (NM_001271427.2, NM_001271428.2, NM_001271429.2 and 2 more transcripts); short protein forms E4D.
Identifiers: ClinVar variation 2780584 (VCV002780584.3), dbSNP rs1192560440, ClinGen allele CA338776127.